The following is an entry in ClinVar:

NM_015450.3(POT1):c.1071del (p.Gln358fs)

Gene: POT1 (protection of telomeres 1; minus strand). Cytogenetic location: 7q31.33.
Variant type: Deletion.
Coding change: c.1071del on transcript NM_015450.3 (MANE Select); coding-DNA position 1071, one base deleted (T; older notation c.1071delT).
Protein change: p.Gln358fs; shifts the reading frame from glutamine 358.
Molecular consequence: frameshift variant. On other transcripts: non-coding transcript variant (3).
Genome position (GRCh38, 1-based): chr7:124,842,899, A deleted on the plus strand (T on the coding strand, the reverse complement: POT1 is on the minus strand). VCF-style (leftmost placement, unchanged base first): chr7-124842898-GA-G. GRCh37 (hg19) VCF-style: chr7-124482952-GA-G.
Other names: c.1071delT (NM_015450.3); c.678del, p.Gln227fs (NM_001042594.2); short protein forms Q358fs, Q227fs.
Identifiers: ClinVar variation 576311 (VCV000576311.32), dbSNP rs1562981913, ClinGen allele CA891842741.

ClinVar aggregate classification (germline): Pathogenic. Review status: criteria provided, single submitter (1 of 4 stars). 2 submissions from 2 submitters: Pathogenic (1). 1 of the submissions does not count toward it. Last evaluated 2021-08-04.

Conditions:
Long telomere syndrome.
Tumor predisposition syndrome 3 (TPDS3). Also called: Melanoma, cutaneous malignant, susceptibility to, 10; LONG TELOMERE SYNDROME, POT1-RELATED; POT1 Tumor Predisposition; Glioma susceptibility 9. Identifiers: Orphanet 618, MedGen C4014476, MONDO:0014368, OMIM 615848.

Submissions (2):

Labcorp Genetics (formerly Invitae), Labcorp
Classification: Pathogenic for Tumor predisposition syndrome 3. Last evaluated: 2021-08-04. Review status: criteria provided, single submitter. Criteria: Invitae Variant Classification Sherloc (09022015). Collection method: clinical testing. Allele origin: germline.
Comment: ClinVar contains an entry for this variant (Variation ID: 576311). For these reasons, this variant has been classified as Pathogenic. This variant has not been reported in the literature in individuals affected with POT1-related conditions. This variant is not present in population databases (ExAC no frequency). This sequence change creates a premature translational stop signal (p.Gln358Asnfs*9) in the POT1 gene. It is expected to result in an absent or disrupted protein product. Loss-of-function variants in POT1 are known to be pathogenic (PMID: 32155570).

The Telomere Center at Johns Hopkins, Johns Hopkins University School of Medicine
Classification: Pathogenic for Long telomere syndrome. Last evaluated: 2022-08-01. Review status: no assertion criteria provided. Collection method: clinical testing. Allele origin: germline. Affected: yes. Not counted in ClinVar's aggregate classification.

Literature cited by the submitters: PubMed 32155570 (cited by Labcorp Genetics (formerly Invitae), Labcorp).